The following is an entry in ClinVar:

NM_001369.3(DNAH5):c.12238G>T (p.Glu4080Ter)

Gene: DNAH5 (dynein axonemal heavy chain 5; minus strand). Cytogenetic location: 5p15.2.
Variant type: single nucleotide variant.
Coding change: c.12238G>T on transcript NM_001369.3 (MANE Select); coding-DNA position 12238, G replaced by T.
Protein change: p.Glu4080Ter; replaces glutamic acid 4080 with a stop codon.
Molecular consequence: nonsense.
Genome position (GRCh38, 1-based): chr5:13,721,041, C>A on the plus strand (G>T on the coding strand, the complement: DNAH5 is on the minus strand). VCF-style: chr5-13721041-C-A. GRCh37 (hg19) VCF-style: chr5-13721150-C-A.
Other names: short protein forms E4080*.
Identifiers: ClinVar variation 1076292 (VCV001076292.7), dbSNP rs142761474, ClinGen allele CA359213277.

ClinVar aggregate classification (germline): Pathogenic (1 of 4 stars; one submission).

Conditions:
Primary ciliary dyskinesia. Also called: Ciliary dyskinesia. Identifiers: Orphanet 244, MedGen C0008780, MONDO:0016575, HP:0012265.

Allele frequency attached by ClinVar (database versions not stated): gnomAD exomes below 0.00001.
gnomAD v4.1: 1 of 1,614,110 alleles (0.000062%); highest among the groups gnomAD compares: Admixed American, 0.0017%; no homozygotes.

Submission:

Labcorp Genetics (formerly Invitae), Labcorp
Classification: Pathogenic for Primary ciliary dyskinesia. Last evaluated: 2020-03-17. Review status: criteria provided, single submitter. Criteria: Invitae Variant Classification Sherloc (09022015). Collection method: clinical testing. Allele origin: germline.
Comment: This sequence change creates a premature translational stop signal (p.Glu4080*) in the DNAH5 gene. It is expected to result in an absent or disrupted protein product. This variant is not present in population databases (ExAC no frequency). This variant has not been reported in the literature in individuals with DNAH5-related conditions. Algorithms developed to predict the effect of sequence changes on RNA splicing suggest that this variant may create or strengthen a splice site, but this prediction has not been confirmed by published transcriptional studies. Loss-of-function variants in DNAH5 are known to be pathogenic (PMID: 11788826, 16627867). For these reasons, this variant has been classified as Pathogenic.

Literature cited by the submitters: PubMed 11788826; PubMed 16627867.